The following is an entry in ClinVar:

ClinVar aggregate classification (germline): Uncertain significance (1 of 4 stars; one submission).

Conditions:
Aortic aneurysm, familial thoracic 7 (AAT7). Also called: AORTIC DISSECTION, FAMILIAL, WITH OR WITHOUT AORTIC ANEURYSM. Identifiers: MedGen C3151077, MONDO:0013418, OMIM 613780.

Submission:

Labcorp Genetics (formerly Invitae), Labcorp
Classification: Uncertain significance for Aortic aneurysm, familial thoracic 7. Last evaluated: 2025-10-21. Review status: criteria provided, single submitter. Criteria: Invitae Variant Classification Sherloc (09022015). Collection method: clinical testing. Allele origin: germline.
Comment: This sequence change replaces leucine, which is neutral and non-polar, with valine, which is neutral and non-polar, at codon 1257 of the MYLK protein (p.Leu1257Val). This variant is not present in population databases (gnomAD no frequency). This variant has not been reported in the literature in individuals affected with MYLK-related conditions. Invitae Evidence Modeling of protein sequence and biophysical properties (such as structural, functional, and spatial information, amino acid conservation, physicochemical variation, residue mobility, and thermodynamic stability) indicates that this missense variant is not expected to disrupt MYLK protein function with a negative predictive value of 80%. In summary, the available evidence is currently insufficient to determine the role of this variant in disease. Therefore, it has been classified as a Variant of Uncertain Significance.

NM_053025.4(MYLK):c.3769C>G (p.Leu1257Val)

Gene: MYLK (myosin light chain kinase; minus strand). Cytogenetic location: 3q21.1.
Variant type: single nucleotide variant.
Coding change: c.3769C>G on transcript NM_053025.4 (MANE Select); coding-DNA position 3769, C replaced by G.
Protein change: p.Leu1257Val; replaces leucine 1257 with valine.
Molecular consequence: missense variant.
Genome position (GRCh38, 1-based): chr3:123,666,281, G>C on the plus strand (C>G on the coding strand, the complement: MYLK is on the minus strand). VCF-style: chr3-123666281-G-C. GRCh37 (hg19) VCF-style: chr3-123385128-G-C.
Other names: c.3241C>G, p.Leu1081Val (NM_001321309.2); c.3562C>G, p.Leu1188Val (NM_053026.4, NM_053028.4); c.3769C>G, p.Leu1257Val (NM_053027.4); short protein forms L1257V, L1081V, L1188V.
Identifiers: ClinVar variation 4741327 (VCV004741327.1).